The following is an entry in ClinVar:

NM_001999.4(FBN2):c.5921T>C (p.Ile1974Thr)

Gene: FBN2 (fibrillin 2; minus strand). Cytogenetic location: 5q23.3.
Variant type: single nucleotide variant.
Coding change: c.5921T>C on transcript NM_001999.4 (MANE Select); coding-DNA position 5921, T replaced by C.
Protein change: p.Ile1974Thr; replaces isoleucine 1974 with threonine.
Molecular consequence: missense variant.
Genome position (GRCh38, 1-based): chr5:128,301,507, A>G on the plus strand (T>C on the coding strand, the complement: FBN2 is on the minus strand). VCF-style: chr5-128301507-A-G. GRCh37 (hg19) VCF-style: chr5-127637199-A-G.
Other names: short protein forms I1974T.
Identifiers: ClinVar variation 411812 (VCV000411812.11), dbSNP rs1060503501, ClinGen allele CA16611896.

ClinVar aggregate classification (germline): Uncertain significance (1 of 4 stars; one submission).

Conditions:
Congenital contractural arachnodactyly (CCA). Also called: BEALS SYNDROME; Arthrogryposis, distal, type 9; Beals-Hecht syndrome. Identifiers: Orphanet 115, MedGen C0220668, MONDO:0007363, OMIM 121050.

Allele frequency attached by ClinVar (database versions not stated): gnomAD 0.00001; gnomAD exomes 0.00001; TOPMed 0.00002.
gnomAD v4.1: 21 of 1,613,046 alleles (0.0013%); highest among the groups gnomAD compares: Middle Eastern, 0.033%; no homozygotes.

Submission:

Labcorp Genetics (formerly Invitae), Labcorp
Classification: Uncertain significance for Congenital contractural arachnodactyly. Last evaluated: 2016-08-03. Review status: criteria provided, single submitter. Criteria: Invitae Variant Classification Sherloc (09022015). Collection method: clinical testing. Allele origin: germline.
Comment: In summary, this variant is a novel missense change with uncertain impact on protein function. It has been classified as a Variant of Uncertain Significance. This variant is not present in population databases (ExAC no frequency) and has not been reported in the literature in individuals with a FBN2-related disease. Algorithms developed to predict the effect of missense changes on protein structure and function do not agree on the potential impact of this missense change (SIFT: "Deleterious"; PolyPhen-2: "Benign"; Align-GVGD: "Class C25"). This sequence change replaces isoleucine with threonine at codon 1974 of the FBN2 protein (p.Ile1974Thr). The isoleucine residue is highly conserved and there is a moderate physicochemical difference between isoleucine and threonine.